The following is an entry in ClinVar:

NM_033118.4(MYLK2):c.293C>T (p.Pro98Leu)

Gene: MYLK2 (myosin light chain kinase 2; plus strand). Cytogenetic location: 20q11.21.
Variant type: single nucleotide variant.
Coding change: c.293C>T on transcript NM_033118.4 (MANE Select); coding-DNA position 293, C replaced by T.
Protein change: p.Pro98Leu; replaces proline 98 with leucine.
Molecular consequence: missense variant.
Genome position (GRCh38, 1-based): chr20:31,820,366, C>T. VCF-style: chr20-31820366-C-T. GRCh37 (hg19) VCF-style: chr20-30408169-C-T.
Other names: short protein forms P98L.
Identifiers: ClinVar variation 406160 (VCV000406160.7), dbSNP rs766074380, ClinGen allele CA9802888.
Genomic context (GRCh38, chr20:31,820,366, plus strand): 5'-GAGAGGGTGACAGGGGCGGGGGGCCCGCGGAGGGCAGTGCTGGGCCCCCGGCAGCCCTGC[C>T]CCAGCAGACTGCGACACCTGAGACCAGCGTCAAGAAGCCCAAGGCTGAGCAGGGAGCCTC-3'
Protein context (NP_149109.1, residues 88-108): EGSAGPPAAL[Pro98Leu]QQTATPETSV

ClinVar aggregate classification (germline): Uncertain significance. Review status: criteria provided, multiple submitters, no conflicts (2 of 4 stars). 2 submissions from 2 submitters: Uncertain significance (2). Last evaluated 2024-12-23.

Conditions:
Hypertrophic cardiomyopathy 1 (CMH1). Also called: MYH7-Related Familial Hypertrophic Cardiomyopathy; Familial hypertrophic cardiomyopathy 1. Identifiers: MedGen C3495498, MONDO:0008647, OMIM 192600.

Allele frequency attached by ClinVar (database versions not stated): gnomAD exomes 0.00002; gnomAD 0.00003; TOPMed 0.00003; ExAC 0.00005.
gnomAD v4.1: 28 of 1,612,598 alleles (0.0017%); highest among the groups gnomAD compares: Middle Eastern, 0.016%; no homozygotes.

Submissions (2):

Labcorp Genetics (formerly Invitae), Labcorp
Classification: Uncertain significance for Hypertrophic cardiomyopathy 1. Last evaluated: 2024-12-23. Review status: criteria provided, single submitter. Criteria: Invitae Variant Classification Sherloc (09022015). Collection method: clinical testing. Allele origin: germline.
Comment: This sequence change replaces proline, which is neutral and non-polar, with leucine, which is neutral and non-polar, at codon 98 of the MYLK2 protein (p.Pro98Leu). This variant is present in population databases (rs766074380, gnomAD 0.006%). This variant has not been reported in the literature in individuals affected with MYLK2-related conditions. ClinVar contains an entry for this variant (Variation ID: 406160). Invitae Evidence Modeling of protein sequence and biophysical properties (such as structural, functional, and spatial information, amino acid conservation, physicochemical variation, residue mobility, and thermodynamic stability) indicates that this missense variant is not expected to disrupt MYLK2 protein function with a negative predictive value of 80%. In summary, the available evidence is currently insufficient to determine the role of this variant in disease. Therefore, it has been classified as a Variant of Uncertain Significance.

Breakthrough Genomics
Classification: Uncertain significance. Review status: criteria provided, single submitter. Criteria: ACMG Guidelines, 2015. Collection method: not provided. Allele origin: germline. Inheritance: Autosomal dominant inheritance. Affected: yes.